The following is an entry in ClinVar:

ClinVar aggregate classification (germline): Pathogenic (1 of 4 stars; one submission).

Submission:

GeneDx
Classification: Pathogenic. Last evaluated: 2022-02-14. Review status: criteria provided, single submitter. Criteria: GeneDx Variant Classification Process June 2021. Collection method: clinical testing. Allele origin: germline. Affected: yes.
Comment: Frameshift variant predicted to result in protein truncation or nonsense mediated decay in a gene for which loss-of-function is a known mechanism of disease; Not observed at significant frequency in large population cohorts (gnomAD); This variant is associated with the following publications: (PMID: 10053026)

NM_006915.3(RP2):c.76_77dup (p.Gln26fs)

Gene: RP2 (RP2 activator of ARL3 GTPase; plus strand). Cytogenetic location: Xp11.3.
Variant type: Duplication.
Coding change: c.76_77dup on transcript NM_006915.3 (MANE Select); coding-DNA positions 76 to 77, 2 bases duplicated (CA; older notation c.76_77dupCA).
Protein change: p.Gln26fs; shifts the reading frame from glutamine 26.
Molecular consequence: frameshift variant.
Genome position (GRCh38, 1-based): chrX:46,837,176-46,837,177, CA duplicated. VCF-style (leftmost placement, unchanged base first): chrX-46837175-G-GCA. GRCh37 (hg19) VCF-style: chrX-46696610-G-GCA.
Other names: c.76_77dupCA (NM_006915.2); short protein forms Q26fs.
Identifiers: ClinVar variation 503713 (VCV000503713.3), dbSNP rs1556313530, ClinGen allele CA658799726.